The following is an entry in ClinVar:

NM_031206.7(LAS1L):c.956+952C>T

Gene: LAS1L (LAS1 like ribosome biogenesis factor; minus strand). Cytogenetic location: Xq12.
Variant type: single nucleotide variant.
Coding change: c.956+952C>T on transcript NM_031206.7 (MANE Select); 952 bases into the intron after coding-DNA position 956, C replaced by T.
Molecular consequence: intron variant.
Genome position (GRCh38, 1-based): chrX:65,527,308, G>A on the plus strand (C>T on the coding strand, the complement: LAS1L is on the minus strand). VCF-style: chrX-65527308-G-A. GRCh37 (hg19) VCF-style: chrX-64747188-G-A.
Other names: c.830+952C>T (NM_001170650.2); c.50+1904C>T (NM_001375332.1); c.956+952C>T (NM_001375333.1, NM_001170649.2, NM_001375328.1 and 8 more transcripts).
Identifiers: ClinVar variation 3905636 (VCV003905636.10).

ClinVar aggregate classification (germline): Likely benign (1 of 4 stars; one submission).

gnomAD v4.1: 29 of 103,925 alleles (0.028%); highest among the groups gnomAD compares: South Asian, 0.19%; no homozygotes.

Submission:

CeGaT Center for Human Genetics Tuebingen
Classification: Likely benign. Last evaluated: 2025-05-01. Review status: criteria provided, single submitter. Criteria: CeGaT Center For Human Genetics Tuebingen Variant Classification Criteria Version 2. Collection method: clinical testing. Allele origin: germline. Affected: yes. Observed: 1 variant allele.
Comment: LAS1L: BP4, BP7, BS2